The following is an entry in ClinVar:

ClinVar aggregate classification (germline): Uncertain significance (1 of 4 stars; one submission).

Conditions:
Hepatic veno-occlusive disease-immunodeficiency syndrome. Also called: Hepatic Veno-Occlusive Disease with Immunodeficiency. Identifiers: Orphanet 79124, MedGen C1856128, MONDO:0009338, OMIM 235550. Disease mechanism: loss of function.

Submission:

Labcorp Genetics (formerly Invitae), Labcorp
Classification: Uncertain significance for Hepatic veno-occlusive disease-immunodeficiency syndrome. Last evaluated: 2021-01-08. Review status: criteria provided, single submitter. Criteria: Invitae Variant Classification Sherloc (09022015). Collection method: clinical testing. Allele origin: germline.
Comment: This variant is not present in population databases (ExAC no frequency). This variant has not been reported in the literature in individuals with SP110-related conditions. Nucleotide substitutions within the consensus splice site are a relatively common cause of aberrant splicing (PMID: 17576681, 9536098). Algorithms developed to predict the effect of sequence changes on RNA splicing suggest that this variant is not likely to affect RNA splicing, but this prediction has not been confirmed by published transcriptional studies. In summary, the available evidence is currently insufficient to determine the role of this variant in disease. Therefore, it has been classified as a Variant of Uncertain Significance. This sequence change falls in intron 4 of the SP110 gene. It does not directly change the encoded amino acid sequence of the SP110 protein. It affects a nucleotide within the consensus splice site of the intron.

Literature cited by the submitters: PubMed 17576681; PubMed 9536098.

NM_080424.4(SP110):c.583+6A>G

Genes: SP110 (SP110 nuclear body protein; minus strand), SP140 (SP140 nuclear body protein; plus strand). Cytogenetic location: 2q37.1.
Variant type: single nucleotide variant.
Coding change: c.583+6A>G on transcript NM_080424.4 (MANE Select); 6 bases into the intron after coding-DNA position 583, A replaced by G.
Molecular consequence: intron variant.
Genome position (GRCh38, 1-based): chr2:230,212,755, T>C on the plus strand (A>G on the coding strand, the complement: SP110 is on the minus strand). VCF-style: chr2-230212755-T-C. GRCh37 (hg19) VCF-style: chr2-231077470-T-C.
Other names: c.601+6A>G (NM_001378446.1, NM_001378445.1, NM_001378442.1 and 2 more transcripts); c.583+6A>G (NM_004509.5, NM_001378443.1, NM_001378447.1 and 1 more transcripts).
Identifiers: ClinVar variation 1491361 (VCV001491361.6), dbSNP rs2148925559, ClinGen allele CA2573135501.